The following is an entry in ClinVar:

ClinVar aggregate classification (germline): Likely benign (1 of 4 stars; one submission).

Allele frequency attached by ClinVar (database versions not stated): gnomAD 0.00287 and 0.00304; 1000 Genomes Project 30x 0.00297; 1000 Genomes Project 0.00300; TOPMed 0.00312.
gnomAD v4.1: 427 of 151,990 alleles (0.28%); highest among the groups gnomAD compares: African/African-American, 0.98%; 3 homozygotes.

Submission:

GeneDx
Classification: Likely benign. Last evaluated: 2021-09-07. Review status: criteria provided, single submitter. Criteria: GeneDx Variant Classification Process June 2021. Collection method: clinical testing. Allele origin: germline. Affected: yes.
Comment: See Variant Classification Assertion Criteria.

NM_003722.5(TP63):c.62+25231C>T

Gene: TP63 (tumor protein p63; plus strand). Cytogenetic location: 3q28.
Variant type: single nucleotide variant.
Coding change: c.62+25231C>T on transcript NM_003722.5 (MANE Select); 25231 bases into the intron after coding-DNA position 62, C replaced by T.
Molecular consequence: intron variant.
Genome position (GRCh38, 1-based): chr3:189,656,808, C>T. VCF-style: chr3-189656808-C-T. GRCh37 (hg19) VCF-style: chr3-189374597-C-T.
Other names: c.56+59570C>T (NM_001329964.2); c.62+25231C>T (NM_001114978.2, NM_001329144.2, NM_001329148.2 and 1 more transcripts).
Identifiers: ClinVar variation 1683868 (VCV001683868.2), dbSNP rs148095450, ClinGen allele CA90174429.